The following is an entry in ClinVar:

ClinVar aggregate classification (germline): Uncertain significance (1 of 4 stars; one submission).

Conditions:
Fanconi anemia complementation group J. Also called: BRIP1-Related Fanconi Anemia. Identifiers: Orphanet 84, MedGen C1836860, MONDO:0012187, OMIM 609054.
Familial cancer of breast. Also called: BREAST CANCER, FAMILIAL; hereditary breast carcinoma; Hereditary breast cancer. Identifiers: Orphanet 227535, MedGen C0346153, MONDO:0016419, OMIM 114480. Disease mechanism: loss of function.

Submission:

Labcorp Genetics (formerly Invitae), Labcorp
Classification: Uncertain significance for Familial cancer of breast; Fanconi anemia complementation group J. Last evaluated: 2018-03-26. Review status: criteria provided, single submitter. Criteria: Invitae Variant Classification Sherloc (09022015). Collection method: clinical testing. Allele origin: germline.
Comment: In summary, the available evidence is currently insufficient to determine the role of this variant in disease. Therefore, it has been classified as a Variant of Uncertain Significance. Algorithms developed to predict the effect of missense changes on protein structure and function output the following: SIFT: "Tolerated"; PolyPhen-2: "Benign"; Align-GVGD: "Class C0". The arginine amino acid residue is found in multiple mammalian species, suggesting that this missense change does not adversely affect protein function. These predictions have not been confirmed by published functional studies and their clinical significance is uncertain. This variant has not been reported in the literature in individuals with BRIP1-related disease. This variant is not present in population databases (ExAC no frequency). This sequence change replaces lysine with arginine at codon 1146 of the BRIP1 protein (p.Lys1146Arg). The lysine residue is weakly conserved and there is a small physicochemical difference between lysine and arginine.

NM_032043.3(BRIP1):c.3437A>G (p.Lys1146Arg)

Gene: BRIP1 (BRCA1 interacting DNA helicase 1; minus strand). Cytogenetic location: 17q23.2.
Variant type: single nucleotide variant.
Coding change: c.3437A>G on transcript NM_032043.3 (MANE Select); coding-DNA position 3437, A replaced by G.
Protein change: p.Lys1146Arg; replaces lysine 1146 with arginine.
Molecular consequence: missense variant.
Genome position (GRCh38, 1-based): chr17:61,683,609, T>C on the plus strand (A>G on the coding strand, the complement: BRIP1 is on the minus strand). VCF-style: chr17-61683609-T-C. GRCh37 (hg19) VCF-style: chr17-59760970-T-C.
Other names: short protein forms K1146R.
Identifiers: ClinVar variation 573533 (VCV000573533.9), dbSNP rs1567727955, ClinGen allele CA400478727.
Genomic context (GRCh38, chr17:61,683,609, plus strand): 5'-AAAATGCAATCTGAATTGTTAGCCAATCTATTTCCTCTATCAGTTTCAGCTAGGTCATTT[T>C]TTTCTTCATCTGTATCTTCAGGATCATAAAGTTCAGGTGTAAAATAGATAGATTCATCTT-3'
Protein context (NP_114432.2, residues 1136-1156): LYDPEDTDEE[Lys1146Arg]NDLAETDRGN